The following is an entry in ClinVar:

ClinVar aggregate classification (germline): Pathogenic. Review status: criteria provided, multiple submitters, no conflicts (2 of 4 stars). 6 submissions from 6 submitters: Pathogenic (6). Last evaluated 2025-11-22.

Conditions:
Hereditary cancer-predisposing syndrome. Also called: Hereditary Cancer Syndrome; Neoplastic Syndromes, Hereditary; Hereditary neoplastic syndrome; Tumor predisposition. Identifiers: Orphanet 140162, MedGen C0027672, MeSH D009386, MONDO:0015356.
Multiple endocrine neoplasia, type 1 (MEN1). Also called: MEN I; MEA I; WERMER SYNDROME; Endocrine adenomatosis multiple; MEN 1. Identifiers: Orphanet 652, MedGen C0025267, MeSH D018761, MONDO:0007540, OMIM 131100.

Submissions (6):

Labcorp Genetics (formerly Invitae), Labcorp
Classification: Pathogenic for Multiple endocrine neoplasia, type 1. Last evaluated: 2025-11-22. Review status: criteria provided, single submitter. Criteria: Invitae Variant Classification Sherloc (09022015). Collection method: clinical testing. Allele origin: germline.
Comment: This sequence change affects a donor splice site in intron 6 of the MEN1 gene. It is expected to disrupt RNA splicing. Variants that disrupt the donor or acceptor splice site typically lead to a loss of protein function (PMID: 16199547), and loss-of-function variants in MEN1 are known to be pathogenic (PMID: 12112656, 17853334). This variant is not present in population databases (gnomAD no frequency). Disruption of this splice site has been observed in individuals with clinical features of multiple endocrine neoplasia type 1 (PMID: 10090472, 18753104). Invitae Evidence Modeling of clinical and family history, age, sex, and reported ancestry of multiple individuals with this MEN1 variant has been performed. This variant is expected to be pathogenic with a positive predictive value of at least 99%. This is a validated machine learning model that incorporates the clinical features of 1,366,787 individuals referred to our laboratory for MEN1 testing. ClinVar contains an entry for this variant (Variation ID: 96254). Studies have shown that disruption of this splice site is associated with inconclusive levels of altered splicing (internal data). For these reasons, this variant has been classified as Pathogenic.

Ambry Genetics
Classification: Pathogenic for Hereditary cancer-predisposing syndrome. Last evaluated: 2025-08-19. Review status: criteria provided, single submitter. Criteria: Ambry Variant Classification Scheme 2023. Collection method: clinical testing. Allele origin: germline.
Comment: The c.912+1G>A intronic pathogenic mutation results from a G to A substitution one nucleotide after coding exon 5 of the MEN1 gene. This mutation was detected in an individual with a confirmed diagnosis of multiple endocrine neoplasia type 1 (Mutch MG, et al. Hum. Mutat. 1999;13(3):175-85). RNA studies confirmed that this mutation causes skipping of exon 6 in the MEN1 transcript, a shift in reading frame, and a premature stop codon 64 amino acids downstream (Alzahrani AS, et al. Endocr Pract;14(5):595-602). This variant is considered to be rare based on population cohorts in the Genome Aggregation Database (gnomAD). Alterations that disrupt the canonical splice site are expected to cause aberrant splicing, resulting in an abnormal protein or a transcript that is subject to nonsense-mediated mRNA decay. As such, this alteration is classified as a disease-causing mutation.

Myriad Genetics, Inc.
Classification: Pathogenic for Multiple endocrine neoplasia, type 1. Last evaluated: 2025-04-09. Review status: criteria provided, single submitter. Criteria: Myriad Autosomal Dominant, Autosomal Recessive and X-Linked Classification Criteria (2023). Collection method: clinical testing. Allele origin: unknown.
Comment: This variant is considered pathogenic. This variant occurs within a consensus splice junction and is predicted to result in abnormal mRNA splicing of either an out-of-frame exon or an in-frame exon necessary for protein stability and/or normal function. mRNA analysis has demonstrated abnormal mRNA splicing occurs [PMID: 18753104, 10090472]. This variant has been reported in multiple individuals with clinical features of gene-specific disease [PMID: 18753104, 10090472, 34183184, 39112918].

Women's Health and Genetics/Laboratory Corporation of America, LabCorp
Classification: Pathogenic for Multiple endocrine neoplasia, type 1. Last evaluated: 2022-07-19. Review status: criteria provided, single submitter. Criteria: LabCorp Variant Classification Summary - May 2015. Collection method: clinical testing. Allele origin: germline.
Comment: Variant summary: MEN1 c.912+1G>A is located in a canonical splice-site and is predicted to affect mRNA splicing resulting in a significantly altered protein due to either exon skipping, shortening, or inclusion of intronic material. Several computational tools predict a significant impact on normal splicing: Four predict the variant abolishes the canonical 5' splicing donor site. Experimental evidence supports these predictions demonstrating that this variant affects mRNA splicing, leading to deletion of exon 6 in the MEN1 transcript and resulting in a frameshift and a premature stop codon (Mutch_ 1999 and Alzahrani_2008). The variant was absent in 250826 control chromosomes (gnomAD). c.912+1G>A has been reported in the literature in multiple individuals affected with Multiple Endocrine Neoplasia Type 1 (examples: Mutch_ 1999 and Alzahrani_2008). These data indicate that the variant is very likely to be associated with disease. Three clinical diagnostic laboratories have submitted clinical-significance assessments for this variant to ClinVar after 2014 and all classified the variant as pathogenic. Based on the evidence outlined above, the variant was classified as pathogenic.

GeneDx
Classification: Pathogenic. Last evaluated: 2016-04-04. Review status: criteria provided, single submitter. Criteria: GeneDx Variant Classification (06012015). Collection method: clinical testing. Allele origin: germline. Affected: yes.
Comment: The c.912+1 G>A splice site variant in the MEN1 gene has been previously reported in association with multiple endocrine neoplasia type 1 (MEN1) (Mutch et al., 1999). This variant destroys the canonical splice donor site in intron 6, and is expected to cause abnormal gene splicing.

Eurofins Ntd Llc (ga)
Classification: Pathogenic. Last evaluated: 2012-12-11. Review status: criteria provided, single submitter. Criteria: EGL Classification Definitions 2015. Collection method: clinical testing. Allele origin: germline. Observed: 2 variant alleles, 2 heterozygotes.

Literature cited by the submitters: PubMed 16199547 (cited by Labcorp Genetics (formerly Invitae), Labcorp); PubMed 12112656 (cited by Labcorp Genetics (formerly Invitae), Labcorp); PubMed 17853334 (cited by Labcorp Genetics (formerly Invitae), Labcorp); PubMed 10090472 (cited by 4 submitters); PubMed 18753104 (cited by 4 submitters); PubMed 25309785 (cited by Ambry Genetics); PubMed 34183184 (cited by Myriad Genetics, Inc.); PubMed 39112918 (cited by Myriad Genetics, Inc.).

NM_001370259.2(MEN1):c.912+1G>A

Gene: MEN1 (menin 1; minus strand). Cytogenetic location: 11q13.1.
Variant type: single nucleotide variant.
Coding change: c.912+1G>A on transcript NM_001370259.2 (MANE Select); the canonical splice donor site of the intron after coding-DNA position 912, G replaced by A.
Molecular consequence: splice donor variant.
Genome position (GRCh38, 1-based): chr11:64,807,010, C>T on the plus strand (G>A on the coding strand, the complement: MEN1 is on the minus strand). VCF-style: chr11-64807010-C-T. GRCh37 (hg19) VCF-style: chr11-64574482-C-T.
Other names: c.912+1G>A (NM_001370260.2, NM_001370251.2, NM_001407152.1 and 7 more transcripts); c.927+1G>A (NM_130801.3, NM_130800.3, NM_001407145.1 and 5 more transcripts); c.807+1G>A (NM_001370263.2, NM_001370262.2, NM_001407148.1 and 2 more transcripts).
Identifiers: ClinVar variation 96254 (VCV000096254.21), dbSNP rs398124437, ClinGen allele CA009649.
Genomic context (GRCh38, chr11:64,807,010, plus strand): 5'-AGGGCCCCTGCCTCAGCCACTGTTAGGGTCTCCCTTCTGCACCCTCCTTAGATGCCCCCA[C>T]CTTGTGGTAGAGGGTGAGTGGGTCTGGCCGGCCAGGGGTGGGCTCCAGCTCCTCTAGATC-3'